The following is an entry in ClinVar:

NM_001127208.3(TET2):c.959AAC[1] (p.Gln321del)

Genes: TET2 (tet methylcytosine dioxygenase 2; plus strand), TET2-AS1 (TET2 antisense RNA 1; minus strand). Cytogenetic location: 4q24.
Variant type: Microsatellite.
Coding change: c.959AAC[1] on transcript NM_001127208.3 (MANE Select); one copy of the 3-base unit AAC starting at c.959; the reference has two copies in a row; one copy, 3 bases deleted.
Protein change: p.Gln321del; deletes glutamine 321.
Molecular consequence: inframe deletion.
Genome position (GRCh38, 1-based): chr4:105,234,904-105,234,906, AAC deleted; deleting any 3 consecutive bases within chr4:105,234,901-105,234,906 gives the same sequence; the position shown is the placement nearest the transcript's 3' end. VCF-style (leftmost placement, unchanged base first): chr4-105234900-GAAC-G. GRCh37 (hg19) VCF-style: chr4-106156057-GAAC-G.
Other names: c.959AAC[1], p.Gln321del (NM_017628.4); short protein forms Q321del.
Identifiers: ClinVar variation 135301 (VCV000135301.1), dbSNP rs587778704, ClinGen allele CA162270.

ClinVar aggregate classification (germline): not provided (0 of 4 stars; one submission).

Submission:

ITMI
No classification provided. Condition: AllHighlyPenetrant. Last evaluated: 2013-09-19. Review status: no classification provided. Collection method: reference population. Allele origin: germline.
Comment: Please see associated publication for description of ethnicities

Literature cited by the submitters: PubMed 24728327.